The following is an entry in ClinVar:

NM_014363.6(SACS):c.11737G>C (p.Asp3913His)

Gene: SACS (sacsin molecular chaperone; minus strand). Cytogenetic location: 13q12.12.
Variant type: single nucleotide variant.
Coding change: c.11737G>C on transcript NM_014363.6 (MANE Select); coding-DNA position 11737, G replaced by C.
Protein change: p.Asp3913His; replaces aspartic acid 3913 with histidine.
Molecular consequence: missense variant.
Genome position (GRCh38, 1-based): chr13:23,332,139, C>G on the plus strand (G>C on the coding strand, the complement: SACS is on the minus strand). VCF-style: chr13-23332139-C-G. GRCh37 (hg19) VCF-style: chr13-23906278-C-G.
Other names: c.11296G>C, p.Asp3766His (NM_001278055.2); short protein forms D3913H, D3766H.
Identifiers: ClinVar variation 429909 (VCV000429909.7), dbSNP rs746782589, ClinGen allele CA6910228.
Genomic context (GRCh38, chr13:23,332,139, plus strand): 5'-TACTTTTATAATGTGGCGCATCGTCAAACACTAAGATGCTTGACTTTACCAATCTACCAT[C>G]CTGGCTTGGGAGGTAAAGCGCAAGGTCTCGTACATTCTCGAGATCACTCCTCACCTTGAC-3'
Protein context (NP_055178.3, residues 3903-3923): RDLALYLPSQ[Asp3913His]GRLVKSSILV

ClinVar aggregate classification (germline): Conflicting classifications of pathogenicity. Review status: criteria provided, conflicting classifications (1 of 4 stars). 3 submissions from 3 submitters: Uncertain significance (1); Benign (1). 1 of the submissions does not count toward it. Last evaluated 2023-07-17.

Conditions:
Charlevoix-Saguenay spastic ataxia (SACS). Also called: Spastic ataxia of Charlevoix-Saguenay; SPASTIC ATAXIA 6, AUTOSOMAL RECESSIVE; AUTOSOMAL RECESSIVE SPASTIC ATAXIA OF CHARLEVOIX-SAGUENAY. Identifiers: Orphanet 98, MedGen C1849140, MONDO:0010041, OMIM 270550.
Spastic paraplegia. Identifiers: MedGen C0037772, HP:0001258.

Allele frequency attached by ClinVar (database versions not stated): gnomAD exomes 0.00003 and 0.00006; TOPMed 0.00005; gnomAD 0.00001; ExAC 0.00005.
gnomAD v4.1: 19 of 1,613,942 alleles (0.0012%); highest among the groups gnomAD compares: Admixed American, 0.03%; no homozygotes.

Submissions (3):

Labcorp Genetics (formerly Invitae), Labcorp
Classification: Benign for Spastic paraplegia. Last evaluated: 2023-07-17. Review status: criteria provided, single submitter. Criteria: Invitae Variant Classification Sherloc (09022015). Collection method: clinical testing. Allele origin: germline.

GeneDx
Classification: Uncertain significance. Last evaluated: 2017-05-16. Review status: criteria provided, single submitter. Criteria: GeneDx Variant Classification (06012015). Collection method: clinical testing. Allele origin: germline. Affected: yes.
Comment: The D3913H variant in the SACS gene has not been reported previously as a pathogenic variant, nor as a benign variant, to our knowledge. The D3913H variant is observed in 6/11570 (0.052%) alleles from individuals of Latino background, in the ExAC dataset (Lek et al., 2016). The D3913H variant is a non-conservative amino acid substitution, which is likely to impact secondary protein structure as these residues differ in polarity, charge, size and/or other properties. This substitution occurs at a position that is conserved in mammals. In silico analysis is inconsistent in its predictions as to whether or not the variant is damaging to the protein structure/function. We interpret D3913H as a variant of uncertain significance.

Natera, Inc.
Classification: Uncertain significance for Charlevoix-Saguenay type spastic ataxia. Last evaluated: 2019-11-11. Review status: no assertion criteria provided. Collection method: clinical testing. Allele origin: germline. Not counted in ClinVar's aggregate classification.